The following is an entry in ClinVar:

ClinVar aggregate classification (germline): Uncertain significance. Review status: criteria provided, multiple submitters, no conflicts (2 of 4 stars). 3 submissions from 3 submitters: Uncertain significance (3). Last evaluated 2025-08-24.

Conditions:
Hereditary cancer-predisposing syndrome. Also called: Hereditary neoplastic syndrome; Hereditary Cancer Syndrome; Tumor predisposition; Neoplastic Syndromes, Hereditary. Identifiers: Orphanet 140162, MedGen C0027672, MeSH D009386, MONDO:0015356.
Ataxia-telangiectasia syndrome (AT). Also called: ATAXIA-TELANGIECTASIA, FRESNO VARIANT; Ataxia-telangiectasia, complementation group E; Ataxia telangiectasia (A-T); LOUIS-BAR SYNDROME; Ataxia-telangiectasia, complementation group D; AT, COMPLEMENTATION GROUP C. Identifiers: Orphanet 100, MedGen C0004135, MONDO:0008840, OMIM 208900.

Allele frequency attached by ClinVar (database versions not stated): gnomAD exomes below 0.00001; TOPMed below 0.00001; ExAC 0.00001; gnomAD 0.00001.
gnomAD v4.1: 2 of 1,613,716 alleles (0.00012%); highest among the groups gnomAD compares: Non-Finnish European, 0.00017%; no homozygotes.

Submissions (3):

Labcorp Genetics (formerly Invitae), Labcorp
Classification: Uncertain significance for Ataxia-telangiectasia syndrome. Last evaluated: 2025-08-24. Review status: criteria provided, single submitter. Criteria: Invitae Variant Classification Sherloc (09022015). Collection method: clinical testing. Allele origin: germline.
Comment: This sequence change replaces isoleucine, which is neutral and non-polar, with valine, which is neutral and non-polar, at codon 352 of the ATM protein (p.Ile352Val). This variant is present in population databases (rs748380019, gnomAD 0.0009%). This missense change has been observed in individual(s) with ovarian cancer (PMID: 30651582). ClinVar contains an entry for this variant (Variation ID: 971325). Invitae Evidence Modeling of protein sequence and biophysical properties (such as structural, functional, and spatial information, amino acid conservation, physicochemical variation, residue mobility, and thermodynamic stability) indicates that this missense variant is not expected to disrupt ATM protein function with a negative predictive value of 95%. In summary, the available evidence is currently insufficient to determine the role of this variant in disease. Therefore, it has been classified as a Variant of Uncertain Significance.

Color Diagnostics, LLC DBA Color Health
Classification: Uncertain significance for Hereditary cancer-predisposing syndrome. Last evaluated: 2024-03-08. Review status: criteria provided, single submitter. Criteria: ACMG Guidelines, 2015. Collection method: clinical testing. Allele origin: germline.
Comment: This missense variant replaces isoleucine with valine at codon 352 of the ATM protein. Computational prediction suggests that this variant may not impact protein structure and function. To our knowledge, functional studies have not been reported for this variant. This variant has been reported in an individual affected with ovarian cancer (PMID: 30651582). This variant has been identified in 1/251128 chromosomes in the general population by the Genome Aggregation Database (gnomAD). The available evidence is insufficient to determine the role of this variant in disease conclusively. Therefore, this variant is classified as a Variant of Uncertain Significance.

GeneDx
Classification: Uncertain significance. Last evaluated: 2022-12-13. Review status: criteria provided, single submitter. Criteria: GeneDx Variant Classification Process June 2021. Collection method: clinical testing. Allele origin: germline. Affected: yes.
Comment: Not observed at significant frequency in large population cohorts (gnomAD); In silico analysis supports that this missense variant does not alter protein structure/function; Observed in an individual with ovarian cancer (Krivokuca et al., 2019); This variant is associated with the following publications: (PMID: 30651582)

Literature cited by the submitters: PubMed 30651582 (cited by Labcorp Genetics (formerly Invitae), Labcorp and Color Diagnostics, LLC DBA Color Health).

NM_000051.4(ATM):c.1054A>G (p.Ile352Val)

Gene: ATM (ATM serine/threonine kinase; plus strand). Cytogenetic location: 11q22.3.
Variant type: single nucleotide variant.
Coding change: c.1054A>G on transcript NM_000051.4 (MANE Select); coding-DNA position 1054, A replaced by G.
Protein change: p.Ile352Val; replaces isoleucine 352 with valine.
Molecular consequence: missense variant.
Genome position (GRCh38, 1-based): chr11:108,247,116, A>G. VCF-style: chr11-108247116-A-G. GRCh37 (hg19) VCF-style: chr11-108117843-A-G.
Other names: c.1054A>G, p.Ile352Val (NM_001351834.2); short protein forms I352V.
Identifiers: ClinVar variation 971325 (VCV000971325.10), dbSNP rs748380019, ClinGen allele CA6264729.
Genomic context (GRCh38, chr11:108,247,116, plus strand): 5'-TATTCTTCAGGATTTCGTAATATTGCCGTCAAAGAAAATTTGATTGAATTGATGGCAGAT[A>G]TCTGTCACCAGGTACAGTAAGTAGGTCATGTCACATTTAGAAATTTCCTGTTAATTTTTT-3'
Protein context (NP_000042.3, residues 342-362): KENLIELMAD[Ile352Val]CHQVFNEDTR